The following is an entry in ClinVar:

NM_001164508.2(NEB):c.20088T>A (p.Tyr6696Ter)

Gene: NEB (nebulin; minus strand). Cytogenetic location: 2q23.3.
Variant type: single nucleotide variant.
Coding change: c.20088T>A on transcript NM_001164508.2 (MANE Select); coding-DNA position 20088, T replaced by A.
Protein change: p.Tyr6696Ter; replaces tyrosine 6696 with a stop codon.
Molecular consequence: nonsense.
Genome position (GRCh38, 1-based): chr2:151,548,377, A>T on the plus strand (T>A on the coding strand, the complement: NEB is on the minus strand). VCF-style: chr2-151548377-A-T. GRCh37 (hg19) VCF-style: chr2-152404891-A-T.
Other names: c.20088T>A, p.Tyr6696Ter (NM_001164507.2, NM_001271208.2); c.14985T>A, p.Tyr4995Ter (NM_004543.5); short protein forms Y4995*, Y6696*.
Identifiers: ClinVar variation 5013905 (VCV005013905.1).

ClinVar aggregate classification (germline): Pathogenic (1 of 4 stars; one submission).

Conditions:
Nemaline myopathy 2 (NEM2). Also called: Nemaline myopathy 2, autosomal recessive. Identifiers: MedGen C1850569, MONDO:0009725, OMIM 256030.

Submission:

Myriad Genetics, Inc.
Classification: Pathogenic for Nemaline myopathy 2. Last evaluated: 2024-12-31. Review status: criteria provided, single submitter. Criteria: Myriad Autosomal Dominant, Autosomal Recessive and X-Linked Classification Criteria (2023). Collection method: clinical testing. Allele origin: unknown.
Comment: NM_001271208.1(NEB):c.20088T>A(Y6696*) is expected to be pathogenic in the context of NEB-related nemaline myopathy. This variant is predicted to lead to an abnormal or absent protein product due to the creation of a premature termination codon in NEB, a gene where loss-of-function variants are known to be pathogenic. Please note: this variant was assessed in the context of healthy population screening.